The following is an entry in ClinVar:

NM_152268.4(PARS2):c.1075G>T (p.Asp359Tyr)

Gene: PARS2 (prolyl-tRNA synthetase 2, mitochondrial; minus strand). Cytogenetic location: 1p32.3.
Variant type: single nucleotide variant.
Coding change: c.1075G>T on transcript NM_152268.4 (MANE Select); coding-DNA position 1075, G replaced by T.
Protein change: p.Asp359Tyr; replaces aspartic acid 359 with tyrosine.
Molecular consequence: missense variant.
Genome position (GRCh38, 1-based): chr1:54,758,087, C>A on the plus strand (G>T on the coding strand, the complement: PARS2 is on the minus strand). VCF-style: chr1-54758087-C-A. GRCh37 (hg19) VCF-style: chr1-55223760-C-A.
Other names: short protein forms D359Y.
Identifiers: ClinVar variation 1086760 (VCV001086760.41), dbSNP rs192469262, ClinGen allele CA869368.

ClinVar aggregate classification (germline): Conflicting classifications of pathogenicity. Review status: criteria provided, conflicting classifications (1 of 4 stars). 8 submissions from 8 submitters: Uncertain significance (4); Likely benign (3). 1 of the submissions does not count toward it. Last evaluated 2026-01-12.

Conditions:
Inborn genetic diseases. Identifiers: MedGen C0950123, MeSH D030342.
Developmental and epileptic encephalopathy, 75. Also called: EPILEPTIC ENCEPHALOPATHY, EARLY INFANTILE, 75. Identifiers: MedGen C5193099, MONDO:0032752, OMIM 618437.
PARS2-related disorder.

Allele frequency attached by ClinVar (database versions not stated): 1000 Genomes Project 30x 0.00031; ESP Exome Variant Server 0.00031; gnomAD 0.00031 and 0.00034; gnomAD exomes 0.00034 and 0.00047; 1000 Genomes Project 0.00040; ExAC 0.00042; TOPMed 0.00044.

Submissions (8):

Labcorp Genetics (formerly Invitae), Labcorp
Classification: Likely benign. Last evaluated: 2026-01-12. Review status: criteria provided, single submitter. Criteria: Invitae Variant Classification Sherloc (09022015). Collection method: clinical testing. Allele origin: germline.

GeneDx
Classification: Uncertain significance. Last evaluated: 2026-01-08. Review status: criteria provided, single submitter. Criteria: GeneDx Variant Classification Process June 2021. Collection method: clinical testing. Allele origin: germline. Affected: yes.
Comment: In silico analysis supports that this missense variant has a deleterious effect on protein structure/function; Has not been previously published as pathogenic or benign to our knowledge

Blueprint Genetics
Classification: Uncertain significance. Last evaluated: 2024-10-24. Review status: criteria provided, single submitter. Criteria: ACMG Guidelines, 2015. Collection method: clinical testing. Allele origin: germline.

Daryl Scott Lab, Baylor College of Medicine
Classification: Uncertain significance for Developmental and epileptic encephalopathy, 75. Last evaluated: 2024-04-01. Review status: criteria provided, single submitter. Criteria: ACMG Guidelines, 2015. Collection method: clinical testing. Allele origin: biparental. Observed: 1 homozygote.
Comment: No benign or pathogenic criteria met

Ambry Genetics
Classification: Likely benign for Inborn genetic diseases. Last evaluated: 2023-08-03. Review status: criteria provided, single submitter. Criteria: Ambry Variant Classification Scheme 2023. Collection method: clinical testing. Allele origin: germline.

CeGaT Center for Human Genetics Tuebingen
Classification: Uncertain significance. Last evaluated: 2022-07-01. Review status: criteria provided, single submitter. Criteria: CeGaT Center For Human Genetics Tuebingen Variant Classification Criteria Version 2. Collection method: clinical testing. Allele origin: germline. Affected: yes. Observed: 1 variant allele.

Breakthrough Genomics
Classification: Likely benign. Review status: criteria provided, single submitter. Criteria: ACMG Guidelines, 2015. Collection method: not provided. Allele origin: germline. Inheritance: Autosomal recessive inheritance. Affected: yes.

PreventionGenetics, part of Exact Sciences
Classification: Likely benign for PARS2-related condition. Last evaluated: 2019-09-17. Review status: no assertion criteria provided. Collection method: clinical testing. Allele origin: germline. Not counted in ClinVar's aggregate classification.
Comment: This variant is classified as likely benign based on ACMG/AMP sequence variant interpretation guidelines (Richards et al. 2015 PMID: 25741868, with internal and published modifications).